The following is an entry in ClinVar:

ClinVar aggregate classification (germline): Conflicting classifications of pathogenicity. Review status: criteria provided, conflicting classifications (1 of 4 stars). 4 submissions from 4 submitters: Uncertain significance (1); Likely benign (3). Last evaluated 2025-08-29.

Allele frequency attached by ClinVar (database versions not stated): 1000 Genomes Project 30x 0.00141; 1000 Genomes Project 0.00160; gnomAD 0.00338; ExAC 0.00368; TOPMed 0.00400; ESP Exome Variant Server 0.00492.
gnomAD v4.1: 7,542 of 1,613,924 alleles (0.47%); highest among the groups gnomAD compares: Middle Eastern, 0.71%; 27 homozygotes.

Submissions (4):

Ambry Genetics
Classification: Uncertain significance. Last evaluated: 2025-08-29. Review status: criteria provided, single submitter. Criteria: Ambry Variant Classification Scheme 2023. Collection method: clinical testing. Allele origin: germline.

CeGaT Center for Human Genetics Tuebingen
Classification: Likely benign. Last evaluated: 2023-05-01. Review status: criteria provided, single submitter. Criteria: CeGaT Center For Human Genetics Tuebingen Variant Classification Criteria Version 2. Collection method: clinical testing. Allele origin: germline. Affected: yes. Observed: 1 variant allele.
Comment: GABRR2: BP4, BS2

Labcorp Genetics (formerly Invitae), Labcorp
Classification: Likely benign. Last evaluated: 2019-12-31. Review status: criteria provided, single submitter. Criteria: Invitae Variant Classification Sherloc (09022015). Collection method: clinical testing. Allele origin: germline.

Breakthrough Genomics
Classification: Likely benign. Review status: criteria provided, single submitter. Criteria: ACMG Guidelines, 2015. Collection method: not provided. Allele origin: germline. Inheritance: Unknown mechanism. Affected: yes.

NM_002043.5(GABRR2):c.1298G>A (p.Arg433His)

Gene: GABRR2 (gamma-aminobutyric acid type A receptor subunit rho2; minus strand). Cytogenetic location: 6q15.
Variant type: single nucleotide variant.
Coding change: c.1298G>A on transcript NM_002043.5 (MANE Select); coding-DNA position 1298, G replaced by A.
Protein change: p.Arg433His; replaces arginine 433 with histidine.
Molecular consequence: missense variant.
Genome position (GRCh38, 1-based): chr6:89,257,770, C>T on the plus strand (G>A on the coding strand, the complement: GABRR2 is on the minus strand). VCF-style: chr6-89257770-C-T. GRCh37 (hg19) VCF-style: chr6-89967489-C-T.
Other names: c.1373G>A (NM_002043.2); short protein forms R433H.
Identifiers: ClinVar variation 730202 (VCV000730202.30), dbSNP rs61739705, ClinGen allele CA3920047.